The following is an entry in ClinVar:

ClinVar aggregate classification (germline): Uncertain significance (1 of 4 stars; one submission).

Allele frequency attached by ClinVar (database versions not stated): gnomAD 0.00001; gnomAD exomes 0.00001; TOPMed 0.00002.
gnomAD v4.1: 14 of 1,613,794 alleles (0.00087%); highest among the groups gnomAD compares: Admixed American, 0.0017%; no homozygotes.

Submission:

Labcorp Genetics (formerly Invitae), Labcorp
Classification: Uncertain significance. Last evaluated: 2025-06-08. Review status: criteria provided, single submitter. Criteria: Invitae Variant Classification Sherloc (09022015). Collection method: clinical testing. Allele origin: germline.
Comment: This sequence change falls in intron 7 of the CARD8 gene. It does not directly change the encoded amino acid sequence of the CARD8 protein. It affects a nucleotide within the consensus splice site. This variant is present in population databases (no rsID available, gnomAD 0.0009%). This variant has not been reported in the literature in individuals affected with CARD8-related conditions. ClinVar contains an entry for this variant (Variation ID: 1911975). Variants that disrupt the consensus splice site are a relatively common cause of aberrant splicing (PMID: 17576681, 9536098). Algorithms developed to predict the effect of sequence changes on RNA splicing suggest that this variant is not likely to affect RNA splicing. In summary, the available evidence is currently insufficient to determine the role of this variant in disease. Therefore, it has been classified as a Variant of Uncertain Significance.

Literature cited by the submitters: PubMed 17576681; PubMed 9536098.

NM_001184900.3(CARD8):c.772+5T>C

Gene: CARD8 (caspase recruitment domain family member 8; minus strand). Cytogenetic location: 19q13.33.
Variant type: single nucleotide variant.
Coding change: c.772+5T>C on transcript NM_001184900.3 (MANE Select); 5 bases into the intron after coding-DNA position 772, T replaced by C.
Molecular consequence: intron variant.
Genome position (GRCh38, 1-based): chr19:48,230,772, A>G on the plus strand (T>C on the coding strand, the complement: CARD8 is on the minus strand). VCF-style: chr19-48230772-A-G. GRCh37 (hg19) VCF-style: chr19-48734029-A-G.
Other names: c.457+5T>C (NM_001351787.2, NM_001351791.2, NM_001351792.2 and 2 more transcripts); c.622+5T>C (NM_001351788.2, NM_001351789.2, NM_014959.5 and 2 more transcripts); c.436+5T>C (NM_001351786.2); c.529+5T>C (NM_001351790.2); c.772+5T>C (NM_001184902.2, NM_001351782.2, NM_001184903.1).
Identifiers: ClinVar variation 1911975 (VCV001911975.5), dbSNP rs1001301549, ClinGen allele CA309289557.